The following is an entry in ClinVar:

ClinVar aggregate classification (germline): Uncertain significance (1 of 4 stars; one submission).

Submission:

CeGaT Center for Human Genetics Tuebingen
Classification: Uncertain significance. Last evaluated: 2024-08-01. Review status: criteria provided, single submitter. Criteria: CeGaT Center For Human Genetics Tuebingen Variant Classification Criteria Version 2. Collection method: clinical testing. Allele origin: germline. Affected: yes. Observed: 1 variant allele.
Comment: HECW2: PM2

NM_001348768.2(HECW2):c.1886G>A (p.Ser629Asn)

Gene: HECW2 (HECT, C2 and WW domain containing E3 ubiquitin protein ligase 2; minus strand). Cytogenetic location: 2q32.3.
Variant type: single nucleotide variant.
Coding change: c.1886G>A on transcript NM_001348768.2 (MANE Select); coding-DNA position 1886, G replaced by A.
Protein change: p.Ser629Asn; replaces serine 629 with asparagine.
Molecular consequence: missense variant.
Genome position (GRCh38, 1-based): chr2:196,319,004, C>T on the plus strand (G>A on the coding strand, the complement: HECW2 is on the minus strand). VCF-style: chr2-196319004-C-T. GRCh37 (hg19) VCF-style: chr2-197183728-C-T.
Other names: c.818G>A, p.Ser273Asn (NM_001304840.3); c.1886G>A, p.Ser629Asn (NM_020760.4); short protein forms S273N, S629N.
Identifiers: ClinVar variation 3342179 (VCV003342179.16).
Genomic context (GRCh38, chr2:196,319,004, plus strand): 5'-ACACTCTCATTGCAGGAGCTGTCAGCGCATTCCAGGTCACTCTCTCCCTCAGGCCTGGTG[C>T]TGGCTTCGCTCACACTCTCTGTCCTGGCAGGATCACTGGGTTCTGTTTCAGAGGACACCT-3'
Protein context (NP_001335697.1, residues 619-639): PARTESVSEA[Ser629Asn]TRPEGESDLE